The following is an entry in ClinVar:

ClinVar aggregate classification (germline): Uncertain significance (1 of 4 stars; one submission).

Submission:

Greenwood Genetic Center Diagnostic Laboratories, Greenwood Genetic Center
Classification: Uncertain significance. Last evaluated: 2023-08-15. Review status: criteria provided, single submitter. Criteria: ACMG Guidelines, 2015. Collection method: clinical testing. Allele origin: germline. Affected: yes.
Comment: Gene of Uncertain Significance

NM_018847.4(KLHL9):c.1778C>A (p.Thr593Lys)

Gene: KLHL9 (kelch like family member 9; minus strand). Cytogenetic location: 9p21.3.
Variant type: single nucleotide variant.
Coding change: c.1778C>A on transcript NM_018847.4 (MANE Select); coding-DNA position 1778, C replaced by A.
Protein change: p.Thr593Lys; replaces threonine 593 with lysine.
Molecular consequence: missense variant.
Genome position (GRCh38, 1-based): chr9:21,333,082, G>T on the plus strand (C>A on the coding strand, the complement: KLHL9 is on the minus strand). VCF-style: chr9-21333082-G-T. GRCh37 (hg19) VCF-style: chr9-21333081-G-T.
Other names: short protein forms T593K.
Identifiers: ClinVar variation 2626887 (VCV002626887.1), dbSNP rs2537379770, ClinGen allele CA373066434.